The following is an entry in ClinVar:

NM_000069.3(CACNA1S):c.520C>A (p.Arg174=)

Gene: CACNA1S (calcium voltage-gated channel subunit alpha1 S; minus strand). Cytogenetic location: 1q32.1.
Variant type: single nucleotide variant.
Coding change: c.520C>A on transcript NM_000069.3 (MANE Select); coding-DNA position 520, C replaced by A.
Protein change: p.Arg174=; no amino-acid change (arginine 174 retained).
Molecular consequence: synonymous variant.
Genome position (GRCh38, 1-based): chr1:201,091,993, G>T on the plus strand (C>A on the coding strand, the complement: CACNA1S is on the minus strand). VCF-style: chr1-201091993-G-T. GRCh37 (hg19) VCF-style: chr1-201061121-G-T.
Identifiers: ClinVar variation 874924 (VCV000874924.5), dbSNP rs772226819, ClinGen allele CA422815416.

ClinVar aggregate classification (germline): Uncertain significance. Review status: criteria provided, multiple submitters, no conflicts (2 of 4 stars). 2 submissions from 2 submitters: Uncertain significance (2). Last evaluated 2025-06-03.

Conditions:
Malignant hyperthermia, susceptibility to, 5 (MHS5). Also called: CACNA1S-Related Malignant Hyperthermia Susceptibility. Identifiers: Orphanet 423, MedGen C1866077, MONDO:0011163, OMIM 601887.
Hypokalemic periodic paralysis, type 1. Also called: Hypokalemic Periodic Paralysis Type 1 (AD); HypoPP. Identifiers: Orphanet 681, MedGen C3714580, MONDO:0042979, OMIM 170400.

Submissions (2):

Color Diagnostics, LLC DBA Color Health
Classification: Uncertain significance for Malignant hyperthermia, susceptibility to, 5. Last evaluated: 2025-06-03. Review status: criteria provided, single submitter. Criteria: ACMG Guidelines, 2015. Collection method: clinical testing. Allele origin: germline.
Comment: This synonymous variant causes a C>A nucleotide change in exon 11 of the CACNA1S gene. Splice site prediction tools are inconclusive regarding the impact of this variant on RNA splicing. To our knowledge, RNA studies have not been reported for this variant. This variant has not been reported in individuals affected with CACNA1S-related disorders in the literature. This variant has not been identified in the general population by the Genome Aggregation Database (gnomAD). The available evidence is insufficient to determine the role of this variant in disease conclusively. Therefore, this variant is classified as a Variant of Uncertain Significance.

Illumina Laboratory Services, Illumina
Classification: Uncertain significance for Hypokalemic periodic paralysis, type 1. Last evaluated: 2017-04-28. Review status: criteria provided, single submitter. Criteria: ICSL Variant Classification Criteria 13 December 2019. Collection method: clinical testing. Allele origin: germline.